The following is an entry in ClinVar:

ClinVar aggregate classification (germline): Uncertain significance (1 of 4 stars; one submission).

Conditions:
Hereditary cancer-predisposing syndrome. Also called: Neoplastic Syndromes, Hereditary; Tumor predisposition; Hereditary neoplastic syndrome; Hereditary Cancer Syndrome. Identifiers: Orphanet 140162, MedGen C0027672, MeSH D009386, MONDO:0015356.

Submission:

Ambry Genetics
Classification: Uncertain significance for Hereditary cancer-predisposing syndrome. Last evaluated: 2023-03-05. Review status: criteria provided, single submitter. Criteria: Ambry Variant Classification Scheme 2023. Collection method: clinical testing. Allele origin: germline.
Comment: The p.A6G variant (also known as c.17C>G), located in coding exon 1 of the MRE11A gene, results from a C to G substitution at nucleotide position 17. The alanine at codon 6 is replaced by glycine, an amino acid with similar properties. This amino acid position is conserved. In addition, this alteration is predicted to be tolerated by in silico analysis. Since supporting evidence is limited at this time, the clinical significance of this alteration remains unclear.

NM_005591.4(MRE11):c.17C>G (p.Ala6Gly)

Gene: MRE11 (MRE11 double strand break repair nuclease; minus strand). Cytogenetic location: 11q21.
Variant type: single nucleotide variant.
Coding change: c.17C>G on transcript NM_005591.4 (MANE Select); coding-DNA position 17, C replaced by G.
Protein change: p.Ala6Gly; replaces alanine 6 with glycine.
Molecular consequence: missense variant.
Genome position (GRCh38, 1-based): chr11:94,492,785, G>C on the plus strand (C>G on the coding strand, the complement: MRE11 is on the minus strand). VCF-style: chr11-94492785-G-C. GRCh37 (hg19) VCF-style: chr11-94225951-G-C.
Other names: c.17C>G, p.Ala6Gly (NM_001330347.2, NM_005590.4); short protein forms A6G.
Identifiers: ClinVar variation 2451379 (VCV002451379.2), dbSNP rs2496667409, ClinGen allele CA382381550.
Genomic context (GRCh38, chr11:94,492,785, plus strand): 5'-AGTTGACGAGCTTTAGAAACCCCAAATAACAAGGGATTCCAGAAGTCAGGTGCTTACAGT[G>C]CATCTGCAGTACTCATTTTTATGGTCAGTCAAGCTCCTCTGGGACCAGGTTCTTCTCCAA-3'
Protein context (NP_005582.1, residues 1-16): MSTAD[Ala6Gly]LDDENTFKIL